The following is an entry in ClinVar:

NM_000233.4(LHCGR):c.2002A>C (p.Thr668Pro)

Genes: STON1-GTF2A1L (STON1-GTF2A1L readthrough; plus strand), LHCGR (luteinizing hormone/choriogonadotropin receptor; minus strand). Cytogenetic location: 2p16.3.
Variant type: single nucleotide variant.
Coding change: c.2002A>C on transcript NM_000233.4 (MANE Select); coding-DNA position 2002, A replaced by C.
Protein change: p.Thr668Pro; replaces threonine 668 with proline.
Molecular consequence: missense variant. On other transcripts: intron variant (1).
Genome position (GRCh38, 1-based): chr2:48,687,795, T>G on the plus strand (A>C on the coding strand, the complement: LHCGR is on the minus strand). VCF-style: chr2-48687795-T-G. GRCh37 (hg19) VCF-style: chr2-48914934-T-G.
Other names: c.3441+16115T>G (NM_001198593.2); short protein forms T668P.
Identifiers: ClinVar variation 336458 (VCV000336458.6), dbSNP rs199807908, ClinGen allele CA1652950.

ClinVar aggregate classification (germline): Conflicting classifications of pathogenicity. Review status: criteria provided, conflicting classifications (1 of 4 stars). 2 submissions from 1 submitter: Uncertain significance (1); Likely benign (1). Last evaluated 2018-01-12.

Conditions:
Leydig cell agenesis. Also called: LEYDIG CELL HYPOPLASIA WITH MALE PSEUDOHERMAPHRODITISM; LEYDIG CELL HYPOPLASIA, COMPLETE; HYPERGONADOTROPIC HYPOGONADISM, MALE, DUE TO LHCGR DEFECT; Leydig cell hypoplasia, type 1. Identifiers: MedGen C0266432, MONDO:0009384, OMIM 238320.
Gonadotropin-independent familial sexual precocity. Also called: TESTOTOXICOSIS, FAMILIAL; Familial male-limited precocious puberty. Identifiers: Orphanet 3000, MedGen C0342549, MONDO:0008303, OMIM 176410.

Allele frequency attached by ClinVar (database versions not stated): ExAC 0.00002; gnomAD exomes 0.00002; TOPMed 0.00002; gnomAD 0.00003; 1000 Genomes Project 0.00020; 1000 Genomes Project 30x 0.00031.
gnomAD v4.1: 16 of 1,614,150 alleles (0.00099%); highest among the groups gnomAD compares: African/African-American, 0.0027%; no homozygotes.

Submissions (2):

Illumina Laboratory Services, Illumina
Classification: Likely benign for Gonadotropin-independent familial sexual precocity. Last evaluated: 2018-01-12. Review status: criteria provided, single submitter. Criteria: ICSL Variant Classification Criteria 13 December 2019. Collection method: clinical testing. Allele origin: germline.
Comment: This variant was observed in the ICSL laboratory as part of a predisposition screen in an ostensibly healthy population. It had not been previously curated by ICSL or reported in the Human Gene Mutation Database (HGMD: prior to June 1st, 2018), and was therefore a candidate for classification through an automated scoring system. Utilizing variant allele frequency, disease prevalence and penetrance estimates, and inheritance mode, an automated score was calculated to assess if this variant is too frequent to cause the disease. Based on the score and internal cut-off values, a variant classified as likely benign is not then subjected to further curation. The score for this variant resulted in a classification of likely benign for this disease.

Illumina Laboratory Services, Illumina
Classification: Uncertain significance for Leydig cell agenesis. Last evaluated: 2018-01-12. Review status: criteria provided, single submitter. Criteria: ICSL Variant Classification Criteria 13 December 2019. Collection method: clinical testing. Allele origin: germline.